The following is an entry in ClinVar:

ClinVar aggregate classification (germline): Uncertain significance (1 of 4 stars; one submission).

Conditions:
Cataract 38. Also called: Cataract, autosomal recessive congenital 5; Cataract 38, autosomal recessive. Identifiers: Orphanet 91492, MedGen C3553494, MONDO:0013859, OMIM 614691.
Sengers syndrome. Also called: MITOCHONDRIAL DNA DEPLETION SYNDROME 10 (CARDIOMYOPATHIC TYPE); Cardiomyopathy and cataract. Identifiers: Orphanet 1369, MedGen C1859317, MONDO:0008922, OMIM 212350.

Allele frequency attached by ClinVar (database versions not stated): gnomAD exomes below 0.00001.
gnomAD v4.1: 4 of 1,537,756 alleles (0.00026%); highest among the groups gnomAD compares: Admixed American, 0.0019%; no homozygotes.

Submission:

Labcorp Genetics (formerly Invitae), Labcorp
Classification: Uncertain significance for Sengers syndrome; Cataract 38. Last evaluated: 2022-07-13. Review status: criteria provided, single submitter. Criteria: Invitae Variant Classification Sherloc (09022015). Collection method: clinical testing. Allele origin: germline.
Comment: This variant is not present in population databases (gnomAD no frequency). This sequence change replaces aspartic acid, which is acidic and polar, with glutamic acid, which is acidic and polar, at codon 140 of the AGK protein (p.Asp140Glu). This variant has not been reported in the literature in individuals affected with AGK-related conditions. In summary, the available evidence is currently insufficient to determine the role of this variant in disease. Therefore, it has been classified as a Variant of Uncertain Significance. Algorithms developed to predict the effect of missense changes on protein structure and function are either unavailable or do not agree on the potential impact of this missense change (SIFT: "Tolerated"; PolyPhen-2: "Probably Damaging"; Align-GVGD: "Class C0").

NM_018238.4(AGK):c.420T>G (p.Asp140Glu)

Gene: AGK (acylglycerol kinase; plus strand). Cytogenetic location: 7q34.
Variant type: single nucleotide variant.
Coding change: c.420T>G on transcript NM_018238.4 (MANE Select); coding-DNA position 420, T replaced by G.
Protein change: p.Asp140Glu; replaces aspartic acid 140 with glutamic acid.
Molecular consequence: missense variant.
Genome position (GRCh38, 1-based): chr7:141,614,175, T>G. VCF-style: chr7-141614175-T-G. GRCh37 (hg19) VCF-style: chr7-141313975-T-G.
Other names: c.420T>G, p.Asp140Glu (NM_001364948.3); short protein forms D140E.
Identifiers: ClinVar variation 2016685 (VCV002016685.4), dbSNP rs2485387471, ClinGen allele CA369550579.
Genomic context (GRCh38, chr7:141,614,175, plus strand): 5'-TTATAACAATGTTTTATTATTACATTTGTAGGTTGTTACTGGTGTTCTTCGACGAACAGA[T>G]GAGGTGAGCATTAAAGAGTAATTGCATTTTAACTTTTATTTTTCTGTTCTTTTTTATTGC-3'
Protein context (NP_060708.1, residues 130-150): EVVTGVLRRT[Asp140Glu]EATFSKIPIG